The following is an entry in ClinVar:

NM_000179.3(MSH6):c.1930A>T (p.Arg644Trp)

Gene: MSH6 (mutS homolog 6; plus strand). Cytogenetic location: 2p16.3.
Variant type: single nucleotide variant.
Coding change: c.1930A>T on transcript NM_000179.3 (MANE Select); coding-DNA position 1930, A replaced by T.
Protein change: p.Arg644Trp; replaces arginine 644 with tryptophan.
Molecular consequence: missense variant. On other transcripts: non-coding transcript variant (5), intron variant (2).
Genome position (GRCh38, 1-based): chr2:47,799,913, A>T. VCF-style: chr2-47799913-A-T. GRCh37 (hg19) VCF-style: chr2-48027052-A-T.
Other names: c.2026A>T, p.Arg676Trp (NM_001406802.1, NM_001406795.1); c.1930A>T, p.Arg644Trp (NM_001406803.1, NM_001406808.1, NM_001406809.1 and 3 more transcripts); c.1852A>T, p.Arg618Trp (NM_001406804.1); c.1633A>T, p.Arg545Trp (NM_001406805.1, NM_001406797.1, NM_001406801.1 and 10 more transcripts); c.1405A>T, p.Arg469Trp (NM_001406806.1, NM_001406807.1, NM_001406799.1); c.1024A>T, p.Arg342Trp (NM_001406811.1, NM_001406812.1, NM_001281493.2 and 6 more transcripts); c.1540A>T, p.Arg514Trp (NM_001281492.2); c.1936A>T, p.Arg646Trp (NM_001406813.1); and 3 more; short protein forms R514W, R644W, R545W, R618W, R469W, R676W, R342W, R588W.
Identifiers: ClinVar variation 2958780 (VCV002958780.3), dbSNP rs2104376937, ClinGen allele CA346750371.

ClinVar aggregate classification (germline): Uncertain significance (1 of 4 stars; one submission).

Conditions:
Hereditary nonpolyposis colorectal neoplasms. Identifiers: MedGen C0009405, MeSH D003123.

Submission:

Labcorp Genetics (formerly Invitae), Labcorp
Classification: Uncertain significance for Hereditary nonpolyposis colorectal neoplasms. Last evaluated: 2023-02-11. Review status: criteria provided, single submitter. Criteria: Invitae Variant Classification Sherloc (09022015). Collection method: clinical testing. Allele origin: germline.
Comment: Advanced modeling of protein sequence and biophysical properties (such as structural, functional, and spatial information, amino acid conservation, physicochemical variation, residue mobility, and thermodynamic stability) performed at Invitae indicates that this missense variant is not expected to disrupt MSH6 protein function. In summary, the available evidence is currently insufficient to determine the role of this variant in disease. Therefore, it has been classified as a Variant of Uncertain Significance. This variant has not been reported in the literature in individuals affected with MSH6-related conditions. This variant is not present in population databases (gnomAD no frequency). This sequence change replaces arginine, which is basic and polar, with tryptophan, which is neutral and slightly polar, at codon 644 of the MSH6 protein (p.Arg644Trp).